The following is an entry in ClinVar:

ClinVar aggregate classification (germline): Uncertain significance. Review status: criteria provided, multiple submitters, no conflicts (2 of 4 stars). 2 submissions from 2 submitters: Uncertain significance (2). Last evaluated 2026-01-05.

Allele frequency attached by ClinVar (database versions not stated): gnomAD exomes 0.00001 and 0.00002; TOPMed 0.00001.
gnomAD v4.1: 17 of 1,566,630 alleles (0.0011%); highest among the groups gnomAD compares: South Asian, 0.0082%; no homozygotes.

Submissions (2):

Labcorp Genetics (formerly Invitae), Labcorp
Classification: Uncertain significance. Last evaluated: 2026-01-05. Review status: criteria provided, single submitter. Criteria: Invitae Variant Classification Sherloc (09022015). Collection method: clinical testing. Allele origin: germline.
Comment: This sequence change replaces proline, which is neutral and non-polar, with leucine, which is neutral and non-polar, at codon 228 of the COL9A2 protein (p.Pro228Leu). This variant is present in population databases (rs751487740, gnomAD 0.008%). This variant has not been reported in the literature in individuals affected with COL9A2-related conditions. ClinVar contains an entry for this variant (Variation ID: 1417004). An algorithm developed to predict the effect of missense changes on protein structure and function (PolyPhen-2) suggests that this variant is likely to be disruptive. In summary, the available evidence is currently insufficient to determine the role of this variant in disease. Therefore, it has been classified as a Variant of Uncertain Significance.

Blueprint Genetics
Classification: Uncertain significance. Last evaluated: 2023-09-14. Review status: criteria provided, single submitter. Criteria: ACMG Guidelines, 2015. Collection method: clinical testing. Allele origin: germline.

NM_001852.4(COL9A2):c.683C>T (p.Pro228Leu)

Gene: COL9A2 (collagen type IX alpha 2 chain; minus strand). Cytogenetic location: 1p34.2.
Variant type: single nucleotide variant.
Coding change: c.683C>T on transcript NM_001852.4 (MANE Select); coding-DNA position 683, C replaced by T.
Protein change: p.Pro228Leu; replaces proline 228 with leucine.
Molecular consequence: missense variant.
Genome position (GRCh38, 1-based): chr1:40,310,715, G>A on the plus strand (C>T on the coding strand, the complement: COL9A2 is on the minus strand). VCF-style: chr1-40310715-G-A. GRCh37 (hg19) VCF-style: chr1-40776387-G-A.
Other names: short protein forms P228L.
Identifiers: ClinVar variation 1417004 (VCV001417004.7), dbSNP rs751487740, ClinGen allele CA21041977.